The following is an entry in ClinVar:

ClinVar aggregate classification (germline): Likely benign. Review status: criteria provided, single submitter (1 of 4 stars). 2 submissions from 2 submitters: Likely benign (1). 1 of the submissions does not count toward it. Last evaluated 2025-11-23.

Conditions:
KIDINS220-related disorder. Also called: KIDINS220-related condition.

Allele frequency attached by ClinVar (database versions not stated): 1000 Genomes Project 30x 0.00062; gnomAD exomes 0.00002; gnomAD 0.00003; TOPMed 0.00002; ExAC 0.00003; 1000 Genomes Project 0.00060.
gnomAD v4.1: 33 of 1,614,102 alleles (0.002%); highest among the groups gnomAD compares: Admixed American, 0.013%; no homozygotes.

Submissions (2):

Labcorp Genetics (formerly Invitae), Labcorp
Classification: Likely benign. Last evaluated: 2025-11-23. Review status: criteria provided, single submitter. Criteria: Invitae Variant Classification Sherloc (09022015). Collection method: clinical testing. Allele origin: germline.

PreventionGenetics, part of Exact Sciences
Classification: Likely benign for KIDINS220-related condition. Last evaluated: 2024-05-07. Review status: no assertion criteria provided. Collection method: clinical testing. Allele origin: germline. Not counted in ClinVar's aggregate classification.
Comment: This variant is classified as likely benign based on ACMG/AMP sequence variant interpretation guidelines (Richards et al. 2015 PMID: 25741868, with internal and published modifications).

NM_020738.4(KIDINS220):c.3990C>T (p.Phe1330=)

Gene: KIDINS220 (kinase D interacting substrate 220; minus strand). Cytogenetic location: 2p25.1.
Variant type: single nucleotide variant.
Coding change: c.3990C>T on transcript NM_020738.4 (MANE Select); coding-DNA position 3990, C replaced by T.
Protein change: p.Phe1330=; no amino-acid change (phenylalanine 1330 retained).
Molecular consequence: synonymous variant. On other transcripts: non-coding transcript variant (2).
Genome position (GRCh38, 1-based): chr2:8,733,507, G>A on the plus strand (C>T on the coding strand, the complement: KIDINS220 is on the minus strand). VCF-style: chr2-8733507-G-A. GRCh37 (hg19) VCF-style: chr2-8873637-G-A.
Other names: c.3990C>T (NM_020738.2); c.3993C>T, p.Phe1331= (NM_001348729.2); c.3936C>T, p.Phe1312= (NM_001348731.2); c.3933C>T, p.Phe1311= (NM_001348732.2, NM_001348738.2); c.3822C>T, p.Phe1274= (NM_001348734.2, NM_001348739.2, NM_001348740.2); c.3819C>T, p.Phe1273= (NM_001348735.2, NM_001348741.2, NM_001348742.2 and 1 more transcripts); c.3693C>T, p.Phe1231= (NM_001348736.2).
Identifiers: ClinVar variation 2916717 (VCV002916717.4), dbSNP rs193191007, ClinGen allele CA1519454.
Genomic context (GRCh38, chr2:8,733,507, plus strand): 5'-CCAACTTAGATTACTGTGACGAGGGGCACCTTCATCCAGGCCAAGCGTGTTCAGCTCTTC[G>A]AAGCTGAAGTTGAGTGTGTAGGGCGTCTGGCTGGAGAGCTCGGTGTGAGGCAGCTCGTTG-3'
Protein context (NP_065789.1, residues 1320-1340): SQTPYTLNFS[Phe1330=]EELNTLGLDE